The following is an entry in ClinVar:

NM_003073.5(SMARCB1):c.862A>G (p.Asn288Asp)

Gene: SMARCB1 (SWI/SNF related BAF chromatin remodeling complex subunit B1; plus strand). Cytogenetic location: 22q11.23.
Variant type: single nucleotide variant.
Coding change: c.862A>G on transcript NM_003073.5 (MANE Select); coding-DNA position 862, A replaced by G.
Protein change: p.Asn288Asp; replaces asparagine 288 with aspartic acid.
Molecular consequence: missense variant.
Genome position (GRCh38, 1-based): chr22:23,825,291, A>G. VCF-style: chr22-23825291-A-G. GRCh37 (hg19) VCF-style: chr22-24167478-A-G.
Other names: c.835A>G, p.Asn279Asp (NM_001007468.3); c.889A>G, p.Asn297Asp (NM_001317946.2); c.916A>G, p.Asn306Asp (NM_001362877.2); short protein forms N279D, N297D, N306D, N288D.
Identifiers: ClinVar variation 3320802 (VCV003320802.1).

ClinVar aggregate classification (germline): Uncertain significance (1 of 4 stars; one submission).

Conditions:
Hereditary cancer-predisposing syndrome. Also called: Neoplastic Syndromes, Hereditary; Tumor predisposition; Hereditary neoplastic syndrome; Hereditary Cancer Syndrome. Identifiers: Orphanet 140162, MedGen C0027672, MeSH D009386, MONDO:0015356.

Submission:

Ambry Genetics
Classification: Uncertain significance for Hereditary cancer-predisposing syndrome. Last evaluated: 2024-05-01. Review status: criteria provided, single submitter. Criteria: Ambry Variant Classification Scheme 2023. Collection method: clinical testing. Allele origin: germline.
Comment: The p.N288D variant (also known as c.862A>G), located in coding exon 7 of the SMARCB1 gene, results from an A to G substitution at nucleotide position 862. The asparagine at codon 288 is replaced by aspartic acid, an amino acid with highly similar properties. This amino acid position is highly conserved in available vertebrate species. In addition, the in silico prediction for this alteration is inconclusive. Based on the available evidence, the clinical significance of this variant remains unclear.